The following is an entry in ClinVar:

ClinVar aggregate classification (germline): Uncertain significance (1 of 4 stars; one submission).

Conditions:
Inborn genetic diseases. Identifiers: MedGen C0950123, MeSH D030342.

Submission:

Ambry Genetics
Classification: Uncertain significance for Inborn genetic diseases. Last evaluated: 2024-12-09. Review status: criteria provided, single submitter. Criteria: Ambry Variant Classification Scheme 2023. Collection method: clinical testing. Allele origin: germline.
Comment: The p.I901S variant (also known as c.2702T>G), located in coding exon 13 of the ASXL1 gene, results from a T to G substitution at nucleotide position 2702. The isoleucine at codon 901 is replaced by serine, an amino acid with dissimilar properties. This amino acid position is conserved. In addition, this alteration is predicted to be tolerated by in silico analysis. Based on the available evidence, the clinical significance of this variant remains unclear.

NM_015338.6(ASXL1):c.2702T>G (p.Ile901Ser)

Gene: ASXL1 (ASXL transcriptional regulator 1; plus strand). Cytogenetic location: 20q11.21.
Variant type: single nucleotide variant.
Coding change: c.2702T>G on transcript NM_015338.6 (MANE Select); coding-DNA position 2702, T replaced by G.
Protein change: p.Ile901Ser; replaces isoleucine 901 with serine.
Molecular consequence: missense variant.
Genome position (GRCh38, 1-based): chr20:32,435,414, T>G. VCF-style: chr20-32435414-T-G. GRCh37 (hg19) VCF-style: chr20-31023217-T-G.
Other names: c.2519T>G, p.Ile840Ser (NM_001363734.1); short protein forms I840S, I901S.
Identifiers: ClinVar variation 3439862 (VCV003439862.1).